The following is an entry in ClinVar:

ClinVar aggregate classification (germline): Pathogenic (1 of 4 stars; one submission).

Conditions:
Familial cancer of breast. Also called: Hereditary breast cancer; BREAST CANCER, FAMILIAL; hereditary breast carcinoma. Identifiers: Orphanet 227535, MedGen C0346153, MONDO:0016419, OMIM 114480. Disease mechanism: loss of function.

Submission:

Labcorp Genetics (formerly Invitae), Labcorp
Classification: Pathogenic for Familial cancer of breast. Last evaluated: 2016-06-12. Review status: criteria provided, single submitter. Criteria: Invitae Variant Classification Sherloc (09022015). Collection method: clinical testing. Allele origin: germline.
Comment: This variant is a gross deletion of the genomic region encompassing exons 5-7 of the PALB2 gene. This creates a premature translational stop signal and is expected to result in an absent or disrupted protein product. While this particular deletion has not been reported in the literature, truncating variants in PALB2 are known to be pathogenic (PMID: 25099575, 17200668). For these reasons, this variant has been classified as Pathogenic.

NC_000016.10:g.(?_23626236)_(23630469_?)del

Gene: PALB2 (partner and localizer of BRCA2; minus strand). Cytogenetic location: 16p12.2.
Variant type: Deletion.
Identifiers: ClinVar variation 417516 (VCV000417516.2).